The following is an entry in ClinVar:

NM_000069.3(CACNA1S):c.4832_4849dup (p.Asn1616_Ser1617insPheLeuGluArgThrAsn)

Gene: CACNA1S (calcium voltage-gated channel subunit alpha1 S; minus strand). Cytogenetic location: 1q32.1.
Variant type: Duplication.
Coding change: c.4832_4849dup on transcript NM_000069.3 (MANE Select); coding-DNA positions 4832 to 4849, 18 bases duplicated (TCCTGGAAAGGACCAACT).
Protein change: p.Asn1616_Ser1617insPheLeuGluArgThrAsn.
Molecular consequence: inframe insertion.
Genome position (GRCh38, 1-based): chr1:201,043,480-201,043,497, AGTTGGTCCTTTCCAGGA duplicated on the plus strand (TCCTGGAAAGGACCAACT on the coding strand, the reverse complement: CACNA1S is on the minus strand); duplicating any 18 consecutive bases within chr1:201,043,480-201,043,502 gives the same sequence; the c. name uses the placement nearest the transcript's 3' end. VCF-style (leftmost placement, unchanged base first): chr1-201043479-G-GAGTTGGTCCTTTCCAGGA. GRCh37 (hg19) VCF-style: chr1-201012607-G-GAGTTGGTCCTTTCCAGGA.
Identifiers: ClinVar variation 1991965 (VCV001991965.4), dbSNP rs1660361336, ClinGen allele CA1011172495.

ClinVar aggregate classification (germline): Uncertain significance (1 of 4 stars; one submission).

Conditions:
Hypokalemic periodic paralysis, type 1. Also called: HypoPP; Hypokalemic Periodic Paralysis Type 1 (AD). Identifiers: Orphanet 681, MedGen C3714580, MONDO:0042979, OMIM 170400.
Malignant hyperthermia, susceptibility to, 5 (MHS5). Also called: CACNA1S-Related Malignant Hyperthermia Susceptibility. Identifiers: Orphanet 423, MedGen C1866077, MONDO:0011163, OMIM 601887.

Submission:

Labcorp Genetics (formerly Invitae), Labcorp
Classification: Uncertain significance for Hypokalemic periodic paralysis, type 1; Malignant hyperthermia, susceptibility to, 5. Last evaluated: 2026-01-05. Review status: criteria provided, single submitter. Criteria: Invitae Variant Classification Sherloc (09022015). Collection method: clinical testing. Allele origin: germline.
Comment: This variant, c.4832_4849dup, results in the insertion of 6 amino acid(s) of the CACNA1S protein (p.Phe1611_Asn1616dup), but otherwise preserves the integrity of the reading frame. This variant is not present in population databases (gnomAD no frequency). This variant has not been reported in the literature in individuals affected with CACNA1S-related conditions. ClinVar contains an entry for this variant (Variation ID: 1991965). Experimental studies and prediction algorithms are not available or were not evaluated, and the functional significance of this variant is currently unknown. In summary, the available evidence is currently insufficient to determine the role of this variant in disease. Therefore, it has been classified as a Variant of Uncertain Significance.